The following is an entry in ClinVar:

ClinVar aggregate classification (germline): Uncertain significance (1 of 4 stars; one submission).

Conditions:
Thrombophilia due to protein C deficiency, autosomal dominant. Also called: PROC DEFICIENCY, AUTOSOMAL DOMINANT; PROTEIN C DEFICIENCY, AUTOSOMAL DOMINANT. Identifiers: Orphanet 745, MedGen C2674321, MONDO:0008316, OMIM 176860. Disease mechanism: loss of function.

Allele frequency attached by ClinVar (database versions not stated): gnomAD 0.00002 and 0.00003; gnomAD exomes 0.00002; TOPMed 0.00002; ExAC 0.00003; 1000 Genomes Project 30x 0.00031.
gnomAD v4.1: 32 of 1,613,990 alleles (0.002%); highest among the groups gnomAD compares: South Asian, 0.016%; no homozygotes.

Submission:

ISTH-SSC Genomics in Thrombosis and Hemostasis, KU Leuven, Center for Molecular and Vascular Biology
Classification: Uncertain significance for Thrombophilia due to protein C deficiency, autosomal dominant. Last evaluated: 2020-01-01. Review status: criteria provided, single submitter. Criteria: ACMG Guidelines, 2015. Collection method: clinical testing. Allele origin: unknown. Affected: yes.
Comment: Submitted to GoldVariant by Kathleen Freson, Center for Molecular and Vascular Biology, Leuven, Belgium

Literature cited by the submitters: PubMed 34355501.

NM_000312.4(PROC):c.638T>C (p.Ile213Thr)

Gene: PROC (protein C, inactivator of coagulation factors Va and VIIIa; plus strand). Cytogenetic location: 2q14.3.
Variant type: single nucleotide variant.
Coding change: c.638T>C on transcript NM_000312.4 (MANE Select); coding-DNA position 638, T replaced by C.
Protein change: p.Ile213Thr; replaces isoleucine 213 with threonine.
Molecular consequence: missense variant.
Genome position (GRCh38, 1-based): chr2:127,426,187, T>C. VCF-style: chr2-127426187-T-C. GRCh37 (hg19) VCF-style: chr2-128183763-T-C.
Other names: c.821T>C, p.Ile274Thr (NM_001375602.1); c.803T>C, p.Ile268Thr (NM_001375603.1); c.701T>C, p.Ile234Thr (NM_001375604.1); c.740T>C, p.Ile247Thr (NM_001375605.1); c.806T>C, p.Ile269Thr (NM_001375606.1); c.824T>C, p.Ile275Thr (NM_001375607.1); c.581T>C, p.Ile194Thr (NM_001375608.1); c.614T>C, p.Ile205Thr (NM_001375609.1); and 2 more; short protein forms I194T, I205T, I211T, I213T, I234T, I247T, I268T, I269T.
Identifiers: ClinVar variation 1676214 (VCV001676214.1), dbSNP rs753097748, ClinGen allele CA1859402.